The following is an entry in ClinVar:

ClinVar aggregate classification (germline): Conflicting classifications of pathogenicity. Review status: criteria provided, conflicting classifications (1 of 4 stars). 8 submissions from 8 submitters: Likely pathogenic (1); Uncertain significance (7). Last evaluated 2023-09-21.

Conditions:
SH3TC2-related disorder. Also called: SH3TC2-related condition; SH3TC2-related disorders. Identifiers: MedGen CN239303.
Charcot-Marie-Tooth disease. Also called: Charcot-Marie-Tooth Hereditary Neuropathy; Charcot-Marie-Tooth Neuropathy. Identifiers: Orphanet 166, MedGen C0007959, MONDO:0015626.
Inborn genetic diseases. Identifiers: MedGen C0950123, MeSH D030342.
Charcot-Marie-Tooth disease type 4. Also called: Charcot-Marie-Tooth disease, type IV; Charcot-Marie-Tooth, Type 4. Identifiers: Orphanet 64749, MedGen C4082197, MONDO:0018995.
Tip-toe gait. Also called: Toe walking. Identifiers: MedGen C0427144, HP:0030051.

Allele frequency attached by ClinVar (database versions not stated): TOPMed 0.00004; ESP Exome Variant Server 0.00008.

Submissions (9):

Women's Health and Genetics/Laboratory Corporation of America, LabCorp
Classification: Uncertain significance. Last evaluated: 2023-09-21. Review status: criteria provided, single submitter. Criteria: LabCorp Variant Classification Summary - May 2015. Collection method: clinical testing. Allele origin: germline.
Comment: Variant summary: SH3TC2 c.1000A>G (p.Met334Val) results in a conservative amino acid change in the encoded protein sequence. Five of five in-silico tools predict a benign effect of the variant on protein function. Several computational tools predict a significant impact on normal splicing: Three predict the variant weakens a canonical 5' donor site. Four predict the variant creates a cryptic 3' acceptor site. However, these predictions have yet to be confirmed by functional studies. The variant allele was found at a frequency of 6e-05 in 251336 control chromosomes (gnomAD). c.1000A>G has been reported in the literature in an individual suspected of having Charcot-Marie Disease (Volodarsky_2021). This report does not provide unequivocal conclusions about association of the variant with Charcot-Marie Disease Type 4C. To our knowledge, no experimental evidence demonstrating an impact on protein function has been reported. The following publication has been ascertained in the context of this evaluation (PMID: 32376792). Five submitters have cited clinical-significance assessments for this variant to ClinVar after 2014, and classified it as uncertain significance (n=4) or likely pathogenic (n=1). Based on the evidence outlined above, the variant was classified as uncertain significance.

PreventionGenetics, part of Exact Sciences
Classification: Uncertain significance for SH3TC2-related condition. Last evaluated: 2023-09-02. Review status: criteria provided, single submitter. Criteria: ACMG Guidelines, 2015. Collection method: clinical testing. Allele origin: germline.
Comment: The SH3TC2 c.1000A>G variant is predicted to result in the amino acid substitution p.Met334Val. This variant was reported in an individual with Charcot-Marie-Tooth disease as variant of uncertain significance (Table S2, Volodarsky et al. 2021. PubMed ID: 32376792). This variant was also found in an individual with Charcot-Marie-Tooth 4C in addition to two causative variants and therefore was assessed as likely not of clinical concern (Rehbein et al. 2023. PubMed ID: 36947133). This variant is reported in 0.027% of alleles in individuals of East Asian descent in gnomAD. At this time, the clinical significance of this variant is uncertain due to the absence of conclusive functional and genetic evidence.

Labcorp Genetics (formerly Invitae), Labcorp
Classification: Uncertain significance for Charcot-Marie-Tooth disease type 4. Last evaluated: 2022-06-18. Review status: criteria provided, single submitter. Criteria: Invitae Variant Classification Sherloc (09022015). Collection method: clinical testing. Allele origin: germline.
Comment: This sequence change replaces methionine, which is neutral and non-polar, with valine, which is neutral and non-polar, at codon 334 of the SH3TC2 protein (p.Met334Val). This variant is present in population databases (rs139653980, gnomAD 0.02%). This missense change has been observed in individual(s) with Charcot-Marie-Tooth disease type 4C (PMID: 32376792). ClinVar contains an entry for this variant (Variation ID: 246592). Algorithms developed to predict the effect of missense changes on protein structure and function output the following: SIFT: "Tolerated"; PolyPhen-2: "Benign"; Align-GVGD: "Class C0". The valine amino acid residue is found in multiple mammalian species, which suggests that this missense change does not adversely affect protein function. In summary, the available evidence is currently insufficient to determine the role of this variant in disease. Therefore, it has been classified as a Variant of Uncertain Significance.

Practice for Gait Abnormalities, David Pomarino, Competency Network Toe Walking C/o Practice Pomarino
Classification: Likely pathogenic for Tip-toe gait. Last evaluated: 2021-04-02. Review status: criteria provided, single submitter. Criteria: ACMG Guidelines, 2015. Collection method: clinical testing. Allele origin: unknown. Affected: yes.
Comment: Hereditary motor sensory neuropathy (HMSN), also known as Charcot-Marie-Tooth Disease (CMT), is the most commonly inherited peripheral polyneuropathy. It constitutes a group of inherited, progressive, motor and sensory peripheral nerve disorders with properties of demyelination, axonal degeneration, or both. It is classified by clinical characteristics, modes of inheritance, electrophysiologic features, metabolic defects, and specific gene markers. Our patients all walk on tiptoe, so they show similar symptoms. When we genetically test them with our toe walking panel, we find that around 90 per cent of them have a genetic variant that explains their toe walking. These can be assigned, for example, to the area of myopathies (such as variants of the COL6A3 gene), the area of hereditary neuropathies (such as variants of the KMT2C gene) or the area of metabolic diseases (such as variants of the PYGM gene). In a smaller group of patients with almost identical symptoms, no abnormality is found in the genes of our panel, but spastic paraplegia can be detected. In another small group of our toe walkers, no abnormalities can be detected in the genes analysed in our toe walking panel, nor do they suffer from spastic paraplegia, as is also the case with healthy children. In contrast to these, however, they show a tiptoe gait. These patients suffer from infantile cerebral palsy, in which toe walking can also be observed.

Ambry Genetics
Classification: Uncertain significance for Inborn genetic diseases. Last evaluated: 2020-02-03. Review status: criteria provided, single submitter. Criteria: Ambry Variant Classification Scheme 2023. Collection method: clinical testing. Allele origin: germline.
Comment: The p.M334V variant (also known as c.1000A>G), located in coding exon 8 of the SH3TC2 gene, results from an A to G substitution at nucleotide position 1000. The methionine at codon 334 is replaced by valine, an amino acid with highly similar properties. This amino acid position is poorly conserved in available vertebrate species. In addition, this alteration is predicted to be tolerated by in silico analysis. Since supporting evidence is limited at this time, the clinical significance of this alteration remains unclear.

Eurofins Ntd Llc (ga)
Classification: Uncertain significance. Last evaluated: 2017-09-07. Review status: criteria provided, single submitter. Criteria: EGL Classification Definitions 2015. Collection method: clinical testing. Allele origin: germline. Observed: 1 variant allele, 1 heterozygote.

GeneDx
Classification: Uncertain significance. Last evaluated: 2016-05-24. Review status: criteria provided, single submitter. Criteria: GeneDx Variant Classification (06012015). Collection method: clinical testing. Allele origin: germline. Affected: yes.
Comment: The c.1000 A>G variant has not been published as a pathogenic variant, nor has it been reported as a benign variant to our knowledge. It was not observed with any significant frequency in approximately 6,500 individuals of European and African American ancestry in the NHLBI Exome Sequencing Project. Several in-silico splice prediction models predict c.1000 A>G damages the natural splice donor site of intron 8 and may lead to abnormal gene splicing. However, in the absence of RNA/functional studies, the actual effect of this sequence change in this individual is unknown. If c.1000 A>G does not affect splicing, it will result in the M334V missense variant. The M334V variant is a conservative amino acid substitution, which is not likely to impact secondary protein structure as these residues share similar properties. This substitution occurs at a position that is not conserved, and in silico analysis predicts the M334V variant likely does not alter the protein structure/function. Based on the currently available information, it is unclear whether this variant is a pathogenic variant or a rare benign variant.

Molecular Genetics Laboratory, London Health Sciences Centre
Classification: Uncertain significance for Charcot-Marie-Tooth disease. Review status: criteria provided, single submitter. Criteria: ACMG Guidelines, 2015. Collection method: clinical testing. Allele origin: germline. Affected: yes.

Dr. Peter K. Rogan Lab, Western University
No classification provided (evidence only). Condition: Cervical cancer. Review status: no classification provided. Collection method: in vitro. Allele origin: not applicable. Functional consequence: retained intron. Not counted in ClinVar's aggregate classification.

Literature cited by the submitters: PubMed 32376792 (cited by Women's Health and Genetics/Laboratory Corporation of America, LabCorp and Labcorp Genetics (formerly Invitae), Labcorp); DOI 10.3238/oup.2019.0380-0382 (cited by Practice for Gait Abnormalities, David Pomarino, Competency Network Toe Walking C/o Practice Pomarino); PubMed 37091313 (cited by Practice for Gait Abnormalities, David Pomarino, Competency Network Toe Walking C/o Practice Pomarino).

NM_024577.4(SH3TC2):c.1000A>G (p.Met334Val)

Gene: SH3TC2 (SH3 domain and tetratricopeptide repeats 2; minus strand). Cytogenetic location: 5q32.
Variant type: single nucleotide variant.
Coding change: c.1000A>G on transcript NM_024577.4 (MANE Select); coding-DNA position 1000, A replaced by G.
Protein change: p.Met334Val; replaces methionine 334 with valine.
Molecular consequence: missense variant.
Genome position (GRCh38, 1-based): chr5:149,038,296, T>C on the plus strand (A>G on the coding strand, the complement: SH3TC2 is on the minus strand). VCF-style: chr5-149038296-T-C. GRCh37 (hg19) VCF-style: chr5-148417859-T-C.
Other names: short protein forms M334V.
Identifiers: ClinVar variation 246592 (VCV000246592.15), dbSNP rs139653980, ClinGen allele CA3499333.